The following is an entry in ClinVar:

ClinVar aggregate classification (germline): Conflicting classifications of pathogenicity. Review status: criteria provided, conflicting classifications (1 of 4 stars). 3 submissions from 3 submitters: Pathogenic (1); Benign (1). 1 of the submissions does not count toward it. Last evaluated 2022-04-29.

Conditions:
Early-infantile DEE. Also called: Early infantile epileptic encephalopathy with suppression bursts; Ohtahara syndrome; Early infantile epileptic encephalopathy. Identifiers: Orphanet 1934, MedGen C0393706, MONDO:0800491.
Seizures, benign familial neonatal, 1. Also called: Benign Neonatal Epilepsy 1; KCNQ2-Related Benign Familial Neonatal Epilepsy; KCNQ2-Related Self-Limited Familial Neonatal Epilepsy (SLFNE); Seizures, benign neonatal, 1. Identifiers: Orphanet 1949, MedGen C3149074, MONDO:0007365, OMIM 121200.

Submissions (3):

Labcorp Genetics (formerly Invitae), Labcorp
Classification: Pathogenic for Early-infantile DEE. Last evaluated: 2022-04-29. Review status: criteria provided, single submitter. Criteria: Invitae Variant Classification Sherloc (09022015). Collection method: clinical testing. Allele origin: germline.
Comment: Algorithms developed to predict the effect of sequence changes on RNA splicing suggest that this variant may disrupt the consensus splice site. ClinVar contains an entry for this variant (Variation ID: 21766). This variant is also known as IVS14-1G>T. Disruption of this splice site has been observed in individuals with clinical features of benign familial neonatal seizures (PMID: 9425895, 17129708; Invitae). This variant is not present in population databases (gnomAD no frequency). This sequence change affects an acceptor splice site in intron 14 of the KCNQ2 gene. It is expected to disrupt RNA splicing. Variants that disrupt the donor or acceptor splice site typically lead to a loss of protein function (PMID: 16199547), and loss-of-function variants in KCNQ2 are known to be pathogenic (PMID: 14534157, 23692823, 27779742). For these reasons, this variant has been classified as Pathogenic.

Mendelics
Classification: Benign for Seizures, benign familial neonatal, 1. Last evaluated: 2019-05-28. Review status: criteria provided, single submitter. Criteria: Mendelics Assertion Criteria 2017. Collection method: clinical testing. Allele origin: unknown.

GeneReviews
No classification provided. Condition: Seizures, benign familial neonatal, 1. Review status: no classification provided. Collection method: literature only. Allele origin: germline. Affected: yes. Not counted in ClinVar's aggregate classification.
Comment: BFNE (benign familial neonatal epilepsy)

Literature cited by the submitters: PubMed 9425895 (cited by Labcorp Genetics (formerly Invitae), Labcorp); PubMed 17129708 (cited by Labcorp Genetics (formerly Invitae), Labcorp and GeneReviews); PubMed 16199547 (cited by Labcorp Genetics (formerly Invitae), Labcorp); PubMed 14534157 (cited by Labcorp Genetics (formerly Invitae), Labcorp); PubMed 23692823 (cited by Labcorp Genetics (formerly Invitae), Labcorp); PubMed 27779742 (cited by Labcorp Genetics (formerly Invitae), Labcorp); NCBI Bookshelf NBK32534 (cited by GeneReviews).

NM_172107.4(KCNQ2):c.1632-1G>T

Gene: KCNQ2 (potassium voltage-gated channel subfamily Q member 2; minus strand). Cytogenetic location: 20q13.33.
Variant type: single nucleotide variant.
Coding change: c.1632-1G>T on transcript NM_172107.4 (MANE Select); the canonical splice acceptor site of the intron before coding-DNA position 1632, G replaced by T.
Molecular consequence: splice acceptor variant.
Genome position (GRCh38, 1-based): chr20:63,413,582, C>A on the plus strand (G>T on the coding strand, the complement: KCNQ2 is on the minus strand). VCF-style: chr20-63413582-C-A. GRCh37 (hg19) VCF-style: chr20-62044935-C-A.
Other names: c.1548-1G>T (NM_004518.6); c.1539-1G>T (NM_172108.5); c.1578-1G>T (NM_172106.3, NM_001382235.1).
Identifiers: ClinVar variation 21766 (VCV000021766.8), dbSNP rs118192233, ClinGen allele CA342473.
Genomic context (GRCh38, chr20:63,413,582, plus strand): 5'-ACGTCGTAGGGCCGCAGGCTCTCCTTGAACTTCCGCTTGGACACCAGGAACCGCATGACA[C>A]TGCAGGGGGGTGGGTGGGGCTGTGAGCCCTGGGCCAGAGACCCCCGGCCACAGGCACCAG-3'